The following is an entry in ClinVar:

NM_032119.4(ADGRV1):c.6116A>G (p.Asp2039Gly)

Gene: ADGRV1 (adhesion G protein-coupled receptor V1; plus strand). Cytogenetic location: 5q14.3.
Variant type: single nucleotide variant.
Coding change: c.6116A>G on transcript NM_032119.4 (MANE Select); coding-DNA position 6116, A replaced by G.
Protein change: p.Asp2039Gly; replaces aspartic acid 2039 with glycine.
Molecular consequence: missense variant. On other transcripts: non-coding transcript variant (1).
Genome position (GRCh38, 1-based): chr5:90,684,037, A>G. VCF-style: chr5-90684037-A-G. GRCh37 (hg19) VCF-style: chr5-89979854-A-G.
Other names: c.6116A>G (NM_032119.3); short protein forms D2039G.
Identifiers: ClinVar variation 1058972 (VCV001058972.13), dbSNP rs779923053, ClinGen allele CA3339710.

ClinVar aggregate classification (germline): Conflicting classifications of pathogenicity. Review status: criteria provided, conflicting classifications (1 of 4 stars). 5 submissions from 5 submitters: Uncertain significance (4); Likely benign (1). Last evaluated 2026-03-29.

Conditions:
ADGRV1-related disorder. Also called: ADGRV1-related condition; ADGRV1-related disorders.
Inborn genetic diseases. Identifiers: MedGen C0950123, MeSH D030342.

Allele frequency attached by ClinVar (database versions not stated): ExAC 0.00001; gnomAD exomes 0.00001; gnomAD 0.00007 and 0.00008; TOPMed 0.00010.
gnomAD v4.1: 18 of 1,613,838 alleles (0.0011%); highest among the groups gnomAD compares: African/African-American, 0.024%; no homozygotes.

Submissions (5):

PreventionGenetics, part of Exact Sciences
Classification: Uncertain significance for ADGRV1-related condition. Last evaluated: 2026-03-29. Review status: criteria provided, single submitter. Criteria: ACMG Guidelines, 2015. Collection method: clinical testing. Allele origin: germline.
Comment: The ADGRV1 c.6116A>G variant is predicted to result in the amino acid substitution p.Asp2039Gly. To our knowledge, this variant has not been reported in the literature. This variant is reported in 0.017% of alleles in individuals of African descent in gnomAD. At this time, the clinical significance of this variant is uncertain due to the absence of conclusive functional and genetic evidence.

Labcorp Genetics (formerly Invitae), Labcorp
Classification: Likely benign. Last evaluated: 2025-05-09. Review status: criteria provided, single submitter. Criteria: Invitae Variant Classification Sherloc (09022015). Collection method: clinical testing. Allele origin: germline.

GeneDx
Classification: Uncertain significance. Last evaluated: 2024-07-10. Review status: criteria provided, single submitter. Criteria: GeneDx Variant Classification Process June 2021. Collection method: clinical testing. Allele origin: germline. Affected: yes.
Comment: In silico analysis supports that this missense variant has a deleterious effect on protein structure/function; Has not been previously published as pathogenic or benign to our knowledge

Ambry Genetics
Classification: Uncertain significance for Inborn genetic diseases. Last evaluated: 2023-02-17. Review status: criteria provided, single submitter. Criteria: Ambry Variant Classification Scheme 2023. Collection method: clinical testing. Allele origin: germline.

Blueprint Genetics
Classification: Uncertain significance. Last evaluated: 2022-09-23. Review status: criteria provided, single submitter. Criteria: ACMG Guidelines, 2015. Collection method: clinical testing. Allele origin: germline.